The following is an entry in ClinVar:

ClinVar aggregate classification (germline): Uncertain significance (1 of 4 stars; one submission).

Conditions:
Early-infantile DEE. Also called: Early infantile epileptic encephalopathy; Early infantile epileptic encephalopathy with suppression bursts; Ohtahara syndrome. Identifiers: Orphanet 1934, MedGen C0393706, MONDO:0800491.

gnomAD v4.1: 3 of 1,614,014 alleles (0.00019%); highest among the groups gnomAD compares: Non-Finnish European, 0.00025%; no homozygotes.

Submission:

Labcorp Genetics (formerly Invitae), Labcorp
Classification: Uncertain significance for Early-infantile DEE. Last evaluated: 2025-08-29. Review status: criteria provided, single submitter. Criteria: Invitae Variant Classification Sherloc (09022015). Collection method: clinical testing. Allele origin: germline.
Comment: This sequence change replaces cysteine, which is neutral and slightly polar, with tyrosine, which is neutral and polar, at codon 158 of the SPTAN1 protein (p.Cys158Tyr). This variant is present in population databases (rs765662528, gnomAD 0.0009%). This variant has not been reported in the literature in individuals affected with SPTAN1-related conditions. Invitae Evidence Modeling of protein sequence and biophysical properties (such as structural, functional, and spatial information, amino acid conservation, physicochemical variation, residue mobility, and thermodynamic stability) has been performed for this missense variant. However, the output from this modeling did not meet the statistical confidence thresholds required to predict the impact of this variant on SPTAN1 protein function. In summary, the available evidence is currently insufficient to determine the role of this variant in disease. Therefore, it has been classified as a Variant of Uncertain Significance.

NM_001130438.3(SPTAN1):c.473G>A (p.Cys158Tyr)

Gene: SPTAN1 (spectrin alpha, non-erythrocytic 1; plus strand). Cytogenetic location: 9q34.11.
Variant type: single nucleotide variant.
Coding change: c.473G>A on transcript NM_001130438.3 (MANE Select); coding-DNA position 473, G replaced by A.
Protein change: p.Cys158Tyr; replaces cysteine 158 with tyrosine.
Molecular consequence: missense variant.
Genome position (GRCh38, 1-based): chr9:128,574,784, G>A. VCF-style: chr9-128574784-G-A. GRCh37 (hg19) VCF-style: chr9-131337063-G-A.
Other names: c.473G>A, p.Cys158Tyr (NM_001195532.2, NM_001363759.2, NM_001363765.2 and 10 more transcripts); c.509G>A, p.Cys170Tyr (NM_001375312.2, NM_001375318.1, NM_001438440.1); short protein forms C158Y, C170Y.
Identifiers: ClinVar variation 4801837 (VCV004801837.1).
Genomic context (GRCh38, chr9:128,574,784, plus strand): 5'-TGCGAGAAAAAGGAATCAAACTGCTGCAGGCCCAGAAGTTGGTGCAGTACTTACGAGAAT[G>A]TGAGGACGTGATGGACTGGATCAATGACAAGGCACGTTTTGGGAAGAAGGGTTTGCTAAG-3'
Protein context (NP_001123910.1, residues 148-168): AQKLVQYLRE[Cys158Tyr]EDVMDWINDK